The following is an entry in ClinVar:

ClinVar aggregate classification (germline): Uncertain significance. Review status: criteria provided, multiple submitters, no conflicts (2 of 4 stars). 3 submissions from 3 submitters: Uncertain significance (3). Last evaluated 2026-03-05.

Conditions:
Primary familial dilated cardiomyopathy (FDC). Also called: Hypokinetic dilated cardiomyopathy, familial; Familial dilated cardiomyopathy. Identifiers: Orphanet 217607, MedGen C0340427, MONDO:0016333.

Allele frequency attached by ClinVar (database versions not stated): TOPMed below 0.00001; ExAC 0.00001; gnomAD 0.00001; ESP Exome Variant Server 0.00009.
gnomAD v4.1: 3 of 1,209,260 alleles (0.00025%); highest among the groups gnomAD compares: Admixed American, 0.0022%; no homozygotes.

Submissions (3):

Broad Center for Mendelian Genomics, Broad Institute of MIT and Harvard
Classification: Uncertain significance for Primary familial dilated cardiomyopathy. Last evaluated: 2026-03-05. Review status: criteria provided, single submitter. Criteria: ACMG Guidelines, 2015. Collection method: research. Allele origin: germline. Study: GREGoR Consortium.
Comment: The p.Glu455Lys variant was also identified in the heterozygous state in the unaffected mother, as well as in the hemizygous state in an unaffected brother, neither of whom carried a disease-causing TTN variant (Broad Institute Rare Genomes Project). The p.Glu455Lys variant was absent from large population studies. Computational prediction tools and conservation analyses do not provide strong support for or against an impact to the protein. In summary, the clinical significance of this variant is uncertain. ACMG/AMP Criteria applied: PM2_Supporting, PM3_Supporting.

Laboratory for Molecular Medicine, Mass General Brigham Personalized Medicine
Classification: Uncertain significance. Last evaluated: 2024-04-12. Review status: criteria provided, single submitter. Criteria: ACMG Guidelines, 2015. Collection method: clinical testing. Allele origin: germline.
Comment: The p.Glu455Lys variant was also identified in the heterozygous state in the unaffected mother, as well as in the hemizygous state in an unaffected brother, neither of whom carried a disease-causing TTN variant (Broad Institute Rare Genomes Project). The p.Glu455Lys variant was absent from large population studies. Computational prediction tools and conservation analyses do not provide strong support for or against an impact to the protein. In summary, the clinical significance of this variant is uncertain. ACMG/AMP Criteria applied: PM2_Supporting, PM3_Supporting.

Ambry Genetics
Classification: Uncertain significance. Last evaluated: 2021-07-06. Review status: criteria provided, single submitter. Criteria: Ambry Variant Classification Scheme 2023. Collection method: clinical testing. Allele origin: germline.

Literature cited by the submitters: PubMed 38429495 (cited by Laboratory for Molecular Medicine, Mass General Brigham Personalized Medicine).

NM_014370.4(SRPK3):c.1363G>A (p.Glu455Lys)

Gene: SRPK3 (SRSF protein kinase 3; plus strand). Cytogenetic location: Xq28.
Variant type: single nucleotide variant.
Coding change: c.1363G>A on transcript NM_014370.4 (MANE Select); coding-DNA position 1363, G replaced by A.
Protein change: p.Glu455Lys; replaces glutamic acid 455 with lysine.
Molecular consequence: missense variant.
Genome position (GRCh38, 1-based): chrX:153,784,940, G>A. VCF-style: chrX-153784940-G-A. GRCh37 (hg19) VCF-style: chrX-153050395-G-A.
Other names: NM_014370.4(SRPK3):c.1363G>A; p.Glu455Lys; c.1360G>A, p.Glu454Lys (NM_001170760.2); c.1261G>A, p.Glu421Lys (NM_001170761.2); short protein forms E454K, E455K, E421K.
Identifiers: ClinVar variation 2234760 (VCV002234760.4), dbSNP rs148584716, ClinGen allele CA10552631.